The following is an entry in ClinVar:

ClinVar aggregate classification (germline): Uncertain significance (1 of 4 stars; one submission).

Conditions:
Early Myoclonic Encephalopathy. Identifiers: MedGen C0270855.

Allele frequency attached by ClinVar (database versions not stated): gnomAD exomes below 0.00001 and 0.00002; TOPMed 0.00002; ESP Exome Variant Server 0.00008; gnomAD 0.00002.
gnomAD v4.1: 26 of 1,614,064 alleles (0.0016%); highest among the groups gnomAD compares: Non-Finnish European, 0.0021%; no homozygotes.

Submission:

Labcorp Genetics (formerly Invitae), Labcorp
Classification: Uncertain significance for Early Myoclonic Encephalopathy. Last evaluated: 2024-04-01. Review status: criteria provided, single submitter. Criteria: Invitae Variant Classification Sherloc (09022015). Collection method: clinical testing. Allele origin: germline.
Comment: This sequence change replaces proline, which is neutral and non-polar, with serine, which is neutral and polar, at codon 850 of the JMJD1C protein (p.Pro850Ser). This variant is present in population databases (rs373302701, gnomAD 0.0009%). This variant has not been reported in the literature in individuals affected with JMJD1C-related conditions. ClinVar contains an entry for this variant (Variation ID: 852622). Advanced modeling of protein sequence and biophysical properties (such as structural, functional, and spatial information, amino acid conservation, physicochemical variation, residue mobility, and thermodynamic stability) performed at Invitae indicates that this missense variant is not expected to disrupt JMJD1C protein function with a negative predictive value of 80%. In summary, the available evidence is currently insufficient to determine the role of this variant in disease. Therefore, it has been classified as a Variant of Uncertain Significance.

NM_032776.3(JMJD1C):c.2548C>T (p.Pro850Ser)

Gene: JMJD1C (jumonji domain containing 1C; minus strand). Cytogenetic location: 10q21.3.
Variant type: single nucleotide variant.
Coding change: c.2548C>T on transcript NM_032776.3 (MANE Select); coding-DNA position 2548, C replaced by T.
Protein change: p.Pro850Ser; replaces proline 850 with serine.
Molecular consequence: missense variant. On other transcripts: non-coding transcript variant (1).
Genome position (GRCh38, 1-based): chr10:63,213,619, G>A on the plus strand (C>T on the coding strand, the complement: JMJD1C is on the minus strand). VCF-style: chr10-63213619-G-A. GRCh37 (hg19) VCF-style: chr10-64973379-G-A.
Other names: c.2002C>T, p.Pro668Ser (NM_001282948.2, NM_001318154.2); c.1684C>T, p.Pro562Ser (NM_001318153.2); c.2434C>T, p.Pro812Ser (NM_001322252.2); c.1891C>T, p.Pro631Ser (NM_001322254.2, NM_001322258.2); short protein forms P631S, P562S, P668S, P850S, P812S.
Identifiers: ClinVar variation 852622 (VCV000852622.9), dbSNP rs373302701, ClinGen allele CA208375207.